The following is an entry in ClinVar:

ClinVar aggregate classification (germline): Uncertain significance. Review status: criteria provided, multiple submitters, no conflicts (2 of 4 stars). 6 submissions from 5 submitters: Uncertain significance (6). Last evaluated 2025-10-13.

Conditions:
Hereditary cancer-predisposing syndrome. Also called: Hereditary Cancer Syndrome; Neoplastic Syndromes, Hereditary; Tumor predisposition; Hereditary neoplastic syndrome. Identifiers: Orphanet 140162, MedGen C0027672, MeSH D009386, MONDO:0015356.
Cardiovascular phenotype. Identifiers: MedGen CN230736.
Juvenile myelomonocytic leukemia (JMML). Also called: LEUKEMIA, JUVENILE MYELOMONOCYTIC, SOMATIC. Identifiers: Orphanet 86834, MedGen C0349639, MONDO:0011908, OMIM 607785, HP:0012209.
Neurofibromatosis, type 1 (NF1). Also called: NEUROFIBROMATOSIS, TYPE I, SOMATIC; VON RECKLINGHAUSEN DISEASE; Peripheral type neurofibromatosis; Neurofibromatosis, type I. Identifiers: Orphanet 636, MedGen C0027831, MONDO:0018975, OMIM 162200. Disease mechanism: loss of function.

Allele frequency attached by ClinVar (database versions not stated): gnomAD exomes below 0.00001; gnomAD 0.00001.
gnomAD v4.1: 5 of 1,613,242 alleles (0.00031%); highest among the groups gnomAD compares: Admixed American, 0.0017%; no homozygotes.

Submissions (6):

Labcorp Genetics (formerly Invitae), Labcorp
Classification: Uncertain significance for Neurofibromatosis, type 1. Last evaluated: 2025-10-13. Review status: criteria provided, single submitter. Criteria: Invitae Variant Classification Sherloc (09022015). Collection method: clinical testing. Allele origin: germline.
Comment: This sequence change replaces threonine, which is neutral and polar, with methionine, which is neutral and non-polar, at codon 1013 of the NF1 protein (p.Thr1013Met). This variant is not present in population databases (gnomAD no frequency). This variant has not been reported in the literature in individuals affected with NF1-related conditions. ClinVar contains an entry for this variant (Variation ID: 186673). Invitae Evidence Modeling of protein sequence and biophysical properties (such as structural, functional, and spatial information, amino acid conservation, physicochemical variation, residue mobility, and thermodynamic stability) indicates that this missense variant is expected to disrupt NF1 protein function with a positive predictive value of 95%. In summary, the available evidence is currently insufficient to determine the role of this variant in disease. Therefore, it has been classified as a Variant of Uncertain Significance.

Baylor Genetics
Classification: Uncertain significance for Juvenile myelomonocytic leukemia. Last evaluated: 2023-12-01. Review status: criteria provided, single submitter. Criteria: ACMG Guidelines, 2015. Collection method: clinical testing. Allele origin: unknown.

GeneDx
Classification: Uncertain significance. Last evaluated: 2023-07-24. Review status: criteria provided, single submitter. Criteria: GeneDx Variant Classification Process June 2021. Collection method: clinical testing. Allele origin: germline. Affected: yes.
Comment: Has not been previously published as pathogenic or benign to our knowledge; In silico analysis supports that this missense variant has a deleterious effect on protein structure/function; Not observed in large population cohorts (gnomAD); This variant is associated with the following publications: (PMID: 25486365, 2121369)

Genome-Nilou Lab
Classification: Uncertain significance for Neurofibromatosis, type 1. Last evaluated: 2022-03-15. Review status: criteria provided, single submitter. Criteria: ACMG Guidelines, 2015. Collection method: clinical testing. Allele origin: germline. Affected: no.

Ambry Genetics
Classification: Uncertain significance for Cardiovascular phenotype; Hereditary cancer-predisposing syndrome. Last evaluated: 2021-08-30. Review status: criteria provided, single submitter. Criteria: Ambry Variant Classification Scheme 2023. Collection method: clinical testing. Allele origin: germline.

Ambry Genetics
Classification: Uncertain significance for Hereditary cancer-predisposing syndrome. Last evaluated: 2014-11-11. Review status: criteria provided, single submitter. Criteria: Ambry Autosomal Dominant and X-Linked criteria (10/2015). Collection method: clinical testing. Allele origin: germline. Observed: 1 variant allele.
Comment: The p.T1013M variant (also known as c.3038C>T), located in coding exon 23 of the NF1 gene, results from a C to T substitution at nucleotide position 3038. The threonine at codon 1013 is replaced by methionine, an amino acid with some similar properties. This variant was not reported in population based cohorts in the following databases: Database of Single Nucleotide Polymorphisms (dbSNP), NHLBI Exome Sequencing Project (ESP), and 1000 Genomes Project. In the ESP, this variant was not observed in 6503 samples (13006 alleles) with coverage at this position.<span data-redactor="verified" style="background-color: initial;">To date, this alteration has been detected with an allele frequency of approximately 0.01% (greater than 11000 alleles tested) in our clinical cohort.<span data-redactor="verified" style="background-color: initial;">This amino acid position is highly conserved in available vertebrate species. In addition, this alteration is predicted to be possibly damaging and deleterious by PolyPhen and SIFT <em style="background-color: initial;">in silico<span data-redactor="verified" style="background-color: initial;"> analyses, respectively.<span data-redactor="verified" style="background-color: initial;">Since supporting evidence is limited at this time, the clinical significance of<span data-redactor="verified" style="background-color: initial;">p.T1013M<span data-redactor="verified" style="background-color: initial;">remains unclear.

NM_001042492.3(NF1):c.3038C>T (p.Thr1013Met)

Gene: NF1 (neurofibromin 1; plus strand). Cytogenetic location: 17q11.2.
Variant type: single nucleotide variant.
Coding change: c.3038C>T on transcript NM_001042492.3 (MANE Select); coding-DNA position 3038, C replaced by T.
Protein change: p.Thr1013Met; replaces threonine 1013 with methionine.
Molecular consequence: missense variant.
Genome position (GRCh38, 1-based): chr17:31,230,307, C>T. VCF-style: chr17-31230307-C-T. GRCh37 (hg19) VCF-style: chr17-29557325-C-T.
Other names: c.3038C>T, p.Thr1013Met (NM_000267.4); short protein forms T1013M.
Identifiers: ClinVar variation 186673 (VCV000186673.13), dbSNP rs786203132, ClinGen allele CA195527.